The following is an entry in ClinVar:

ClinVar aggregate classification (germline): Uncertain significance (1 of 4 stars; one submission).

Submission:

Labcorp Genetics (formerly Invitae), Labcorp
Classification: Uncertain significance. Last evaluated: 2020-12-10. Review status: criteria provided, single submitter. Criteria: Invitae Variant Classification Sherloc (09022015). Collection method: clinical testing. Allele origin: germline.
Comment: In summary, the available evidence is currently insufficient to determine the role of this variant in disease. Therefore, it has been classified as a Variant of Uncertain Significance. This sequence change replaces glutamic acid with glutamine at codon 426 of the FRMD7 protein (p.Glu426Gln). The glutamic acid residue is weakly conserved and there is a small physicochemical difference between glutamic acid and glutamine. This variant is not present in population databases (ExAC no frequency). This variant has not been reported in the literature in individuals with FRMD7-related conditions. Algorithms developed to predict the effect of missense changes on protein structure and function (SIFT, PolyPhen-2, Align-GVGD) all suggest that this variant is likely to be tolerated, but these predictions have not been confirmed by published functional studies and their clinical significance is uncertain.

NM_194277.3(FRMD7):c.1276G>C (p.Glu426Gln)

Gene: FRMD7 (FERM domain containing 7; minus strand). Cytogenetic location: Xq26.2.
Variant type: single nucleotide variant.
Coding change: c.1276G>C on transcript NM_194277.3 (MANE Select); coding-DNA position 1276, G replaced by C.
Protein change: p.Glu426Gln; replaces glutamic acid 426 with glutamine.
Molecular consequence: missense variant.
Genome position (GRCh38, 1-based): chrX:132,078,741, C>G on the plus strand (G>C on the coding strand, the complement: FRMD7 is on the minus strand). VCF-style: chrX-132078741-C-G. GRCh37 (hg19) VCF-style: chrX-131212769-C-G.
Other names: c.1231G>C, p.Glu411Gln (NM_001306193.2); short protein forms E426Q, E411Q.
Identifiers: ClinVar variation 1492722 (VCV001492722.8), dbSNP rs2124209406, ClinGen allele CA414679452.